The following is an entry in ClinVar:

ClinVar aggregate classification (germline): Conflicting classifications of pathogenicity. Review status: criteria provided, conflicting classifications (1 of 4 stars). 2 submissions from 2 submitters: Uncertain significance (1); Likely benign (1). Last evaluated 2025-07-21.

Conditions:
Cardiovascular phenotype. Identifiers: MedGen CN230736.
Hereditary cancer-predisposing syndrome. Also called: Tumor predisposition; Hereditary Cancer Syndrome; Neoplastic Syndromes, Hereditary; Hereditary neoplastic syndrome. Identifiers: Orphanet 140162, MedGen C0027672, MeSH D009386, MONDO:0015356.
Neurofibromatosis, type 1 (NF1). Also called: VON RECKLINGHAUSEN DISEASE; Neurofibromatosis, type I; NEUROFIBROMATOSIS, TYPE I, SOMATIC; Peripheral type neurofibromatosis. Identifiers: Orphanet 636, MedGen C0027831, MONDO:0018975, OMIM 162200. Disease mechanism: loss of function.

Submissions (2):

Labcorp Genetics (formerly Invitae), Labcorp
Classification: Likely benign for Neurofibromatosis, type 1. Last evaluated: 2025-07-21. Review status: criteria provided, single submitter. Criteria: Invitae Variant Classification Sherloc (09022015). Collection method: clinical testing. Allele origin: germline.

Ambry Genetics
Classification: Uncertain significance for Cardiovascular phenotype; Hereditary cancer-predisposing syndrome. Last evaluated: 2023-07-06. Review status: criteria provided, single submitter. Criteria: Ambry Variant Classification Scheme 2023. Collection method: clinical testing. Allele origin: germline.
Comment: The c.7000-4_7000-2delATA intronic variant, located in intron 46 of the NF1 gene, results from a deletion of 3 nucleotides within intron 46 of the NF1 gene. This nucleotide region is not well conserved in available vertebrate species. In silico splice site analysis predicts that this alteration will not have any significant effect on splicing; however, direct evidence is insufficient at this time (Ambry internal data). Since supporting evidence is limited at this time, the clinical significance of this alteration remains unclear.

NM_001042492.3(NF1):c.7063-4_7063-2del

Gene: NF1 (neurofibromin 1; plus strand). Cytogenetic location: 17q11.2.
Variant type: Deletion.
Coding change: c.7063-4_7063-2del on transcript NM_001042492.3 (MANE Select); 4 bases into the intron before coding-DNA position 7063 through the canonical splice acceptor site of the intron before coding-DNA position 7063, 3 bases deleted (ATA; older notation c.7063-4_7063-2delATA).
Molecular consequence: splice acceptor variant.
Genome position (GRCh38, 1-based): chr17:31,343,005-31,343,007, ATA deleted; deleting any 3 consecutive bases within chr17:31,343,003-31,343,007 gives the same sequence; the c. name uses the placement nearest the transcript's 3' end. VCF-style (leftmost placement, unchanged base first): chr17-31343002-TTAA-T. GRCh37 (hg19) VCF-style: chr17-29670020-TTAA-T.
Other names: c.7000-4_7000-2delATA (NM_000267.3); c.7000-4_7000-2del (NM_000267.4).
Identifiers: ClinVar variation 761296 (VCV000761296.11), dbSNP rs1597851237, ClinGen allele CA915949793.